The following is an entry in ClinVar:

ClinVar aggregate classification (germline): Likely pathogenic (1 of 4 stars; one submission).

Submission:

GeneDx
Classification: Likely pathogenic. Last evaluated: 2026-05-12. Review status: criteria provided, single submitter. Criteria: GeneDx Variant Classification Process June 2021. Collection method: clinical testing. Allele origin: germline.
Comment: Published functional studies demonstrate decreased protein levels in patient-derived samples (PMID: 41889174); Frameshift variant predicted to result in protein truncation or nonsense mediated decay in a gene for which loss of function is a known mechanism of disease; Not observed at significant frequency in large population cohorts (gnomAD); This variant is associated with the following publications: (PMID: 41889174)

NM_001042603.3(KDM5A):c.2902del (p.Arg968fs)

Gene: KDM5A (lysine demethylase 5A; minus strand). Cytogenetic location: 12p13.33.
Variant type: Deletion.
Coding change: c.2902del on transcript NM_001042603.3 (MANE Select); coding-DNA position 2902, one base deleted (A; older notation c.2902delA).
Protein change: p.Arg968fs; shifts the reading frame from arginine 968.
Molecular consequence: frameshift variant.
Genome position (GRCh38, 1-based): chr12:313,190, T deleted on the plus strand (A on the coding strand, the reverse complement: KDM5A is on the minus strand). VCF-style (leftmost placement, unchanged base first): chr12-313189-CT-C. GRCh37 (hg19) VCF-style: chr12-422355-CT-C.
Other names: short protein forms R968fs.
Identifiers: ClinVar variation 3369243 (VCV003369243.2).